The following is an entry in ClinVar:

NM_000465.4(BARD1):c.2116A>G (p.Lys706Glu)

Gene: BARD1 (BRCA1 associated RING domain 1; minus strand). Cytogenetic location: 2q35.
Variant type: single nucleotide variant.
Coding change: c.2116A>G on transcript NM_000465.4 (MANE Select); coding-DNA position 2116, A replaced by G.
Protein change: p.Lys706Glu; replaces lysine 706 with glutamic acid.
Molecular consequence: missense variant. On other transcripts: non-coding transcript variant (3).
Genome position (GRCh38, 1-based): chr2:214,728,894, T>C on the plus strand (A>G on the coding strand, the complement: BARD1 is on the minus strand). VCF-style: chr2-214728894-T-C. GRCh37 (hg19) VCF-style: chr2-215593618-T-C.
Other names: p.K706E:AAG>GAG; c.2059A>G, p.Lys687Glu (NM_001282543.2); c.763A>G, p.Lys255Glu (NM_001282545.2); c.706A>G, p.Lys236Glu (NM_001282548.2); c.577A>G, p.Lys193Glu (NM_001282549.2); short protein forms K706E, K193E, K687E, K255E, K236E.
Identifiers: ClinVar variation 127730 (VCV000127730.32), dbSNP rs149262370, ClinGen allele CA331819.

ClinVar aggregate classification (germline): Conflicting classifications of pathogenicity. Review status: criteria provided, conflicting classifications (1 of 4 stars). 15 submissions from 14 submitters: Uncertain significance (11); Likely benign (3). 1 of the submissions does not count toward it. Last evaluated 2026-02-02.

Conditions:
BARD1-related disorder. Also called: BARD1-related condition.
BARD1-related cancer predisposition. Identifiers: MedGen CN377756, MONDO:0700267.
Hereditary cancer-predisposing syndrome. Also called: Neoplastic Syndromes, Hereditary; Tumor predisposition; Hereditary Cancer Syndrome; Hereditary neoplastic syndrome. Identifiers: Orphanet 140162, MedGen C0027672, MeSH D009386, MONDO:0015356.
Familial adenomatous polyposis 2. Also called: COLORECTAL ADENOMATOUS POLYPOSIS, AUTOSOMAL RECESSIVE; ADENOMAS, MULTIPLE COLORECTAL, AUTOSOMAL RECESSIVE; MUTYH Polyposis; MYH-associated polyposis; FAP type 2; Adenomas, multiple colorectal. Identifiers: Orphanet 220460, Orphanet 247798, MedGen C3272841, MONDO:0012041, OMIM 608456.
Familial cancer of breast. Also called: hereditary breast carcinoma; Hereditary breast cancer; BREAST CANCER, FAMILIAL. Identifiers: Orphanet 227535, MedGen C0346153, MONDO:0016419, OMIM 114480. Disease mechanism: loss of function.
Malignant tumor of breast. Also called: Cancer breast; Malignant breast neoplasm. Identifiers: MedGen C0006142, MONDO:0007254. Disease mechanism: loss of function.

Allele frequency attached by ClinVar (database versions not stated): ExAC 0.00007; gnomAD 0.00009; gnomAD exomes 0.00010 and 0.00016; TOPMed 0.00010; ESP Exome Variant Server 0.00015.
gnomAD v4.1: 239 of 1,614,084 alleles (0.015%); highest among the groups gnomAD compares: Non-Finnish European, 0.019%; no homozygotes.

Submissions 1 to 9 of 15:

Labcorp Genetics (formerly Invitae), Labcorp
Classification: Uncertain significance for Familial cancer of breast. Last evaluated: 2026-02-02. Review status: criteria provided, single submitter. Criteria: Invitae Variant Classification Sherloc (09022015). Collection method: clinical testing. Allele origin: germline.
Comment: This sequence change replaces lysine, which is basic and polar, with glutamic acid, which is acidic and polar, at codon 706 of the BARD1 protein (p.Lys706Glu). This variant is present in population databases (rs149262370, gnomAD 0.02%). This missense change has been observed in individual(s) with BARD1-related conditions (PMID: 26315354, 27443514, 29596542, 32268276, 33118316). ClinVar contains an entry for this variant (Variation ID: 127730). An algorithm developed to predict the effect of missense changes on protein structure and function (PolyPhen-2) suggests that this variant is likely to be tolerated. In summary, the available evidence is currently insufficient to determine the role of this variant in disease. Therefore, it has been classified as a Variant of Uncertain Significance.

PreventionGenetics, part of Exact Sciences
Classification: Uncertain significance for BARD1-related condition. Last evaluated: 2025-09-07. Review status: criteria provided, single submitter. Criteria: ACMG Guidelines, 2015. Collection method: clinical testing. Allele origin: germline.
Comment: The BARD1 c.2116A>G variant is predicted to result in the amino acid substitution p.Lys706Glu. This variant has been reported in individuals with a history of endometrial and ovarian cancer, but has also been reported in control cohorts (Supplemental Table 2, Ring et al. 2016. PubMed ID: 27443514; Supplementary Table 4, Ramus et al. 2015. PubMed ID: 26315354). This variant is reported in 0.020% of alleles in individuals of European (Non-Finnish) descent in gnomAD and has conflicting interpretations of likely benign and uncertain significance in ClinVar (Variation ID: 127730). Although we suspect that this variant may be benign, at this time, the clinical significance of this variant is uncertain due to the absence of conclusive functional and genetic evidence.

Women's Health and Genetics/Laboratory Corporation of America, LabCorp
Classification: Uncertain significance. Last evaluated: 2024-11-18. Review status: criteria provided, single submitter. Criteria: LabCorp Variant Classification Summary - May 2015. Collection method: clinical testing. Allele origin: germline.
Comment: Variant summary: BARD1 c.2116A>G (p.Lys706Glu) results in a conservative amino acid change located in the second BRCT domain (IPR001357) of the encoded protein sequence. Four of five in-silico tools predict a benign effect of the variant on protein function. The variant allele was found at a frequency of 0.0001 in 258182 control chromosomes, predominantly at a frequency of 0.00022 within the Non-Finnish European subpopulation in the gnomAD database. This frequency is not significantly higher than estimated for a pathogenic variant in BARD1 causing Hereditary Breast And Ovarian Cancer Syndrome (0.0001 vs 0.00025), allowing no conclusion about variant significance. c.2116A>G has been reported in the literature in individuals affected with endometrial-, breast- or ovarian cancer (Ring 2016, Tung 2014, Ramus 2015, Bhai_2021), however without strong evidence for causality, and it was also found in controls (Ramus 2015). Furthermore, the variant was reported in 2/7325 European American women, who are older than age 70 years, and who have never had cancer (in the FLOSSIES database). These reports do not provide unequivocal conclusions about association of the variant with Hereditary Breast and Ovarian Cancer. Co-occurrences with other pathogenic variants have been reported (BRIP1 c.2392C>T (p.Arg798X) in our internal database), providing supporting evidence for a benign role. To our knowledge, no experimental evidence demonstrating an impact on protein function has been reported. The following publications have been ascertained in the context of this evaluation (PMID: 34326862, 26315354, 27443514, 25186627). ClinVar contains an entry for this variant (Variation ID: 127730). Based on the evidence outlined above, the variant was classified as uncertain significance.

Quest Diagnostics Nichols Institute San Juan Capistrano
Classification: Uncertain significance. Last evaluated: 2024-10-28. Review status: criteria provided, single submitter. Criteria: Quest Diagnostics criteria. Collection method: clinical testing. Allele origin: unknown.
Comment: The BARD1 c.2116A>G (p.Lys706Glu) variant has been reported in the published literature in individuals with breast cancer (PMID: 25186627 (2015)), endometrial cancer (PMID: 27443514 (2016)), ovarian cancer (PMID: 26315354 (2015)), colorectal cancer (PMID: 33118316 (2020)), and in an individual with multiple primary cancers (PMID: 34326862 (2021)). This variant was observed in numerous breast cancer cases as well as in reportedly healthy individuals in a case-control study (PMID: 33471991 (2021), see also LOVD). The frequency of this variant in the general population, 0.0002 (26/129080 chromosomes in European (Non-Finnish) subpopulation (Genome Aggregation Database)), is higher than would generally be expected for pathogenic variants in this gene. Analysis of this variant using bioinformatics tools for the prediction of the effect of amino acid changes on protein structure and function yielded predictions that this variant is benign. Based on the available information, we are unable to determine the clinical significance of this variant.

Myriad Genetics, Inc.
Classification: Likely benign for Familial cancer of breast. Last evaluated: 2024-07-29. Review status: criteria provided, single submitter. Criteria: Myriad Autosomal Dominant, Autosomal Recessive and X-Linked Classification Criteria (2023). Collection method: clinical testing. Allele origin: unknown.
Comment: This variant is considered likely benign. This variant is strongly associated with less severe personal and family histories of cancer, typical for individuals without pathogenic variants in this gene [PMID: 25085752].

Molecular Pathology, Peter Maccallum Cancer Centre
Classification: Uncertain significance for BARD1-related cancer predisposition. Last evaluated: 2024-07-10. Review status: criteria provided, single submitter. Criteria: ACMG Guidelines, 2015. Collection method: clinical testing. Allele origin: germline. Inheritance: Autosomal dominant inheritance.

Baylor Genetics
Classification: Uncertain significance for Familial cancer of breast. Last evaluated: 2024-03-24. Review status: criteria provided, single submitter. Criteria: ACMG Guidelines, 2015. Collection method: clinical testing. Allele origin: unknown.

St. Jude Molecular Pathology, St. Jude Children's Research Hospital
Classification: Uncertain significance for Familial cancer of breast. Last evaluated: 2023-10-18. Review status: criteria provided, single submitter. Criteria: St. Jude Assertion Criteria 2020. Collection method: clinical testing. Allele origin: germline.
Comment: The BARD1 c.2116A>G (p.Lys706Glu) missense change has a maximum subpopulation frequency of 0.020% in gnomAD v2.1.1. The in silico tool REVEL predicts a benign effect on protein function, but to our knowledge this prediction has not been confirmed by functional studies. This variant has been reported in a large case-control study of breast cancer in 9 of 60466 cases and 6 of 53461 controls (PMID: 33471991), and in a small case-control study of epithelial ovarian cancer in 2 of 3236 cases and 1 of 3431 controls (PMID: 26315354). It has been reported in other individuals with breast, colorectal, and endometrial cancer (25186627, 27443514, 29945567, 32885271). This variant is present in two individuals in a database of women older than 70 years of age who have never had cancer (FLOSSIES database). In summary, the evidence currently available is insufficient to determine the clinical significance of this variant. It has therefore been classified as of uncertain significance.

St. Jude Molecular Pathology, St. Jude Children's Research Hospital
Classification: Uncertain significance for Familial adenomatous polyposis 2. Last evaluated: 2023-03-08. Review status: criteria provided, single submitter. Criteria: St. Jude Assertion Criteria 2020. Collection method: clinical testing. Allele origin: germline.
Comment: the same text as in the submission from St. Jude Molecular Pathology, St. Jude Children's Research Hospital above.